The following is an entry in ClinVar:

GRCh37/hg19 22q11.22(chr22:22320654-22566334)x1

Gene: TOP3B (DNA topoisomerase III beta; minus strand). Cytogenetic location: 22q11.22.
Variant type: copy number loss.
Change: copy number 1 (one copy instead of two) of chr22:22,320,654-22,566,334 (245.7 kb, GRCh37 coordinates, 1-based), cytogenetic band 22q11.22.
Identifiers: ClinVar variation 219017 (VCV000219017.5).

ClinVar aggregate classification (germline): Uncertain significance (1 of 4 stars; one submission).

Submission:

Cytogenetics Laboratory, University of Washington
Classification: Uncertain significance. Last evaluated: 2015-06-01. Review status: criteria provided, single submitter. Criteria: UW Cytogenetics and Genomics Laboratory Policy on CNV Interpretation (5/6/2015). Collection method: clinical testing. Allele origin: unknown. Affected: yes. Observed: 1 variant allele.

Literature cited by the submitters: PubMed 23912948; PubMed 23912945.